The following is an entry in ClinVar:

NM_000153.4(GALC):c.674C>A (p.Ala225Glu)

Gene: GALC (galactosylceramidase; minus strand). Cytogenetic location: 14q31.3.
Variant type: single nucleotide variant.
Coding change: c.674C>A on transcript NM_000153.4 (MANE Select); coding-DNA position 674, C replaced by A.
Protein change: p.Ala225Glu; replaces alanine 225 with glutamic acid.
Molecular consequence: missense variant.
Genome position (GRCh38, 1-based): chr14:87,976,436, G>T on the plus strand (C>A on the coding strand, the complement: GALC is on the minus strand). VCF-style: chr14-87976436-G-T. GRCh37 (hg19) VCF-style: chr14-88442780-G-T.
Other names: c.605C>A, p.Ala202Glu (NM_001201401.2); c.596C>A, p.Ala199Glu (NM_001201402.2); short protein forms A225E, A199E, A202E.
Identifiers: ClinVar variation 963553 (VCV000963553.13), dbSNP rs373077659, ClinGen allele CA7297279.

ClinVar aggregate classification (germline): Pathogenic/Likely pathogenic. Review status: criteria provided, multiple submitters, no conflicts (2 of 4 stars). 4 submissions from 4 submitters: Pathogenic (1); Likely pathogenic (3). Last evaluated 2025-10-21.

Conditions:
Galactosylceramide beta-galactosidase deficiency. Also called: Leukodystrophy, Globoid Cell; Krabbe Disease; GALACTOCEREBROSIDASE DEFICIENCY; GALC DEFICIENCY; GLOBOID CELL LEUKOENCEPHALOPATHY. Identifiers: Orphanet 487, MedGen C0023521, MONDO:0009499, OMIM 245200.

Allele frequency attached by ClinVar (database versions not stated): gnomAD 0.00002; TOPMed 0.00002.
gnomAD v4.1: 49 of 1,613,140 alleles (0.003%); highest among the groups gnomAD compares: Non-Finnish European, 0.0039%; no homozygotes.

Submissions (4):

Labcorp Genetics (formerly Invitae), Labcorp
Classification: Pathogenic for Galactosylceramide beta-galactosidase deficiency. Last evaluated: 2025-10-21. Review status: criteria provided, single submitter. Criteria: Invitae Variant Classification Sherloc (09022015). Collection method: clinical testing. Allele origin: germline.
Comment: This sequence change replaces alanine, which is neutral and non-polar, with glutamic acid, which is acidic and polar, at codon 225 of the GALC protein (p.Ala225Glu). This variant is present in population databases (rs373077659, gnomAD 0.002%). This missense change has been observed in individual(s) with Krabbe disease (PMID: 26795590, 30777126; internal data). This variant is also known as c.626C>A p.Ala209Glu. ClinVar contains an entry for this variant (Variation ID: 963553). Invitae Evidence Modeling of protein sequence and biophysical properties (such as structural, functional, and spatial information, amino acid conservation, physicochemical variation, residue mobility, and thermodynamic stability) indicates that this missense variant is expected to disrupt GALC protein function with a positive predictive value of 95%. Experimental studies have shown that this missense change affects GALC function (PMID: 27638593). This variant disrupts the p.Ala225 amino acid residue in GALC. Other variant(s) that disrupt this residue have been determined to be pathogenic (PMID: 26795590, 27638593, 30777126; internal data). This suggests that this residue is clinically significant, and that variants that disrupt this residue are likely to be disease-causing. For these reasons, this variant has been classified as Pathogenic.

Myriad Genetics, Inc.
Classification: Likely pathogenic for Galactosylceramide beta-galactosidase deficiency. Last evaluated: 2025-02-20. Review status: criteria provided, single submitter. Criteria: Myriad Autosomal Dominant, Autosomal Recessive and X-Linked Classification Criteria (2023). Collection method: clinical testing. Allele origin: unknown.
Comment: NM_000153.3(GALC):c.674C>A(A225E) is a missense variant classified as likely pathogenic in the context of Krabbe disease. A225E has been observed in cases with relevant disease (PMID: 33150395, 30777126). Relevant functional assessments of this variant are available in the literature (PMID: 27638593). Internal structural analysis of the variant is supportive of pathogenicity. A225E has been observed in referenced population frequency databases. In summary, NM_000153.3(GALC):c.674C>A(A225E) is a missense variant that has both functional and internal structural support for pathogenicity and has been observed more frequently in cases with the relevant disease than in healthy populations. Please note: this variant was assessed in the context of healthy population screening.

Natera, Inc.
Classification: Likely pathogenic for Galactosylceramide beta-galactosidase deficiency. Last evaluated: 2025-01-21. Review status: criteria provided, single submitter. Criteria: Natera Variant Classification Schema (03/2026). Collection method: clinical testing. Allele origin: germline.
Comment: The c.674C>A variant in GALC is a missense variant predicted to cause substitution of alanine to glutamic acid at amino acid 225. This variant is rare in the general population with a frequency below the threshold expected for the associated phenotype(s). This variant has been observed in one or more individuals affected with the associated recessive disease, as either homozygous or compound heterozygous with a second variant (PMID: 30089515). Functional studies show that this variant may disrupt protein function (PMID: 27638593). Computational prediction algorithms indicate this variant is likely to affect gene or protein function. Given the available evidence, this variant is classified as Likely Pathogenic.

Fulgent Genetics
Classification: Likely pathogenic for Galactosylceramide beta-galactosidase deficiency. Last evaluated: 2024-02-16. Review status: criteria provided, single submitter. Criteria: ACMG Guidelines, 2015. Collection method: clinical testing. Allele origin: germline.

Literature cited by the submitters: PubMed 26795590 (cited by Labcorp Genetics (formerly Invitae), Labcorp); PubMed 30777126 (cited by Labcorp Genetics (formerly Invitae), Labcorp and Myriad Genetics, Inc.); PubMed 27638593 (cited by 3 submitters); PubMed 33150395 (cited by Myriad Genetics, Inc.); PubMed 30089515 (cited by Natera, Inc.).